The following is an entry in ClinVar:

ClinVar aggregate classification (germline): Uncertain significance (1 of 4 stars; one submission).

gnomAD v4.1: 15 of 1,613,700 alleles (0.00093%); highest among the groups gnomAD compares: East Asian, 0.033%; no homozygotes.

Submission:

Labcorp Genetics (formerly Invitae), Labcorp
Classification: Uncertain significance. Last evaluated: 2024-10-11. Review status: criteria provided, single submitter. Criteria: Invitae Variant Classification Sherloc (09022015). Collection method: clinical testing. Allele origin: germline.
Comment: This sequence change replaces lysine, which is basic and polar, with arginine, which is basic and polar, at codon 215 of the TEK protein (p.Lys215Arg). This variant is not present in population databases (gnomAD no frequency). This variant has not been reported in the literature in individuals affected with TEK-related conditions. Invitae Evidence Modeling of protein sequence and biophysical properties (such as structural, functional, and spatial information, amino acid conservation, physicochemical variation, residue mobility, and thermodynamic stability) indicates that this missense variant is not expected to disrupt TEK protein function with a negative predictive value of 80%. In summary, the available evidence is currently insufficient to determine the role of this variant in disease. Therefore, it has been classified as a Variant of Uncertain Significance.

NM_000459.5(TEK):c.644A>G (p.Lys215Arg)

Gene: TEK (TEK receptor tyrosine kinase; plus strand). Cytogenetic location: 9p21.2.
Variant type: single nucleotide variant.
Coding change: c.644A>G on transcript NM_000459.5 (MANE Select); coding-DNA position 644, A replaced by G.
Protein change: p.Lys215Arg; replaces lysine 215 with arginine.
Molecular consequence: missense variant.
Genome position (GRCh38, 1-based): chr9:27,172,631, A>G. VCF-style: chr9-27172631-A-G. GRCh37 (hg19) VCF-style: chr9-27172629-A-G.
Other names: c.644A>G, p.Lys215Arg (NM_001290077.2, NM_001375475.1, NM_001375476.1); c.332A>G, p.Lys111Arg (NM_001290078.2); short protein forms K111R, K215R.
Identifiers: ClinVar variation 3619241 (VCV003619241.2).